The following is an entry in ClinVar:

ClinVar aggregate classification (germline): Uncertain significance (1 of 4 stars; one submission).

Conditions:
Glucose-6-phosphate transport defect (GSD1B). Also called: GSD Ib; Glycogen Storage Disease Type Ib. Identifiers: Orphanet 364, Orphanet 79259, MedGen C0268146, MONDO:0009288, OMIM 232220.

Allele frequency attached by ClinVar (database versions not stated): TOPMed below 0.00001; gnomAD 0.00001; gnomAD exomes 0.00001; ExAC 0.00003.

Submission:

Labcorp Genetics (formerly Invitae), Labcorp
Classification: Uncertain significance for Glucose-6-phosphate transport defect. Last evaluated: 2023-05-22. Review status: criteria provided, single submitter. Criteria: Invitae Variant Classification Sherloc (09022015). Collection method: clinical testing. Allele origin: germline.
Comment: This sequence change replaces alanine with threonine at codon 104 of the SLC37A4 protein (p.Ala104Thr). The alanine residue is highly conserved and there is a small physicochemical difference between alanine and threonine. This variant is present in population databases (rs781808875, gnomAD 0.002%). This variant has not been reported in the literature in individuals affected with SLC37A4-related conditions. ClinVar contains an entry for this variant (Variation ID: 1508005). Advanced modeling of protein sequence and biophysical properties (such as structural, functional, and spatial information, amino acid conservation, physicochemical variation, residue mobility, and thermodynamic stability) performed at Invitae indicates that this missense variant is not expected to disrupt SLC37A4 protein function. In summary, the available evidence is currently insufficient to determine the role of this variant in disease. Therefore, it has been classified as a Variant of Uncertain Significance.

NM_001164277.2(SLC37A4):c.310G>A (p.Ala104Thr)

Gene: SLC37A4 (solute carrier family 37 member 4; minus strand). Cytogenetic location: 11q23.3.
Variant type: single nucleotide variant.
Coding change: c.310G>A on transcript NM_001164277.2 (MANE Select); coding-DNA position 310, G replaced by A.
Protein change: p.Ala104Thr; replaces alanine 104 with threonine.
Molecular consequence: missense variant.
Genome position (GRCh38, 1-based): chr11:119,028,265, C>T on the plus strand (G>A on the coding strand, the complement: SLC37A4 is on the minus strand). VCF-style: chr11-119028265-C-T. GRCh37 (hg19) VCF-style: chr11-118898975-C-T.
Other names: c.310G>A, p.Ala104Thr (NM_001164278.2, NM_001164280.2, NM_001467.6); c.91G>A, p.Ala31Thr (NM_001164279.2); short protein forms A104T, A31T.
Identifiers: ClinVar variation 1508005 (VCV001508005.6), dbSNP rs781808875, ClinGen allele CA6311868.